The following is an entry in ClinVar:

ClinVar aggregate classification (germline): Uncertain significance. Review status: criteria provided, multiple submitters, no conflicts (2 of 4 stars). 2 submissions from 2 submitters: Uncertain significance (2). Last evaluated 2025-08-25.

Conditions:
Spastic paraplegia. Identifiers: MedGen C0037772, HP:0001258.
Inborn genetic diseases. Identifiers: MedGen C0950123, MeSH D030342.

Allele frequency attached by ClinVar (database versions not stated): gnomAD 0.00001; gnomAD exomes 0.00001.
gnomAD v4.1: 10 of 1,612,920 alleles (0.00062%); highest among the groups gnomAD compares: Non-Finnish European, 0.00076%; no homozygotes.

Submissions (2):

Ambry Genetics
Classification: Uncertain significance for Inborn genetic diseases. Last evaluated: 2025-08-25. Review status: criteria provided, single submitter. Criteria: Ambry Variant Classification Scheme 2023. Collection method: clinical testing. Allele origin: germline.

Labcorp Genetics (formerly Invitae), Labcorp
Classification: Uncertain significance for Spastic paraplegia. Last evaluated: 2022-07-29. Review status: criteria provided, single submitter. Criteria: Invitae Variant Classification Sherloc (09022015). Collection method: clinical testing. Allele origin: germline.
Comment: This sequence change replaces aspartic acid, which is acidic and polar, with asparagine, which is neutral and polar, at codon 65 of the CYP7B1 protein (p.Asp65Asn). This variant is present in population databases (no rsID available, gnomAD 0.0009%). This variant has not been reported in the literature in individuals affected with CYP7B1-related conditions. Algorithms developed to predict the effect of missense changes on protein structure and function output the following: SIFT: "Tolerated"; PolyPhen-2: "Benign"; Align-GVGD: "Class C0". The asparagine amino acid residue is found in multiple mammalian species, which suggests that this missense change does not adversely affect protein function. In summary, the available evidence is currently insufficient to determine the role of this variant in disease. Therefore, it has been classified as a Variant of Uncertain Significance.

NM_004820.5(CYP7B1):c.193G>A (p.Asp65Asn)

Gene: CYP7B1 (cytochrome P450 family 7 subfamily B member 1; minus strand). Cytogenetic location: 8q12.3.
Variant type: single nucleotide variant.
Coding change: c.193G>A on transcript NM_004820.5 (MANE Select); coding-DNA position 193, G replaced by A.
Protein change: p.Asp65Asn; replaces aspartic acid 65 with asparagine.
Molecular consequence: missense variant.
Genome position (GRCh38, 1-based): chr8:64,624,469, C>T on the plus strand (G>A on the coding strand, the complement: CYP7B1 is on the minus strand). VCF-style: chr8-64624469-C-T. GRCh37 (hg19) VCF-style: chr8-65537026-C-T.
Other names: c.193G>A, p.Asp65Asn (NM_001324112.2); c.193G>A (NM_004820.3); short protein forms D65N.
Identifiers: ClinVar variation 1986369 (VCV001986369.2), dbSNP rs1322182502, ClinGen allele CA371338616.